The following is an entry in ClinVar:

NM_182758.4(WDR72):c.1195A>C (p.Lys399Gln)

Gene: WDR72 (WD repeat domain 72; minus strand). Cytogenetic location: 15q21.3.
Variant type: single nucleotide variant.
Coding change: c.1195A>C on transcript NM_182758.4 (MANE Select); coding-DNA position 1195, A replaced by C.
Protein change: p.Lys399Gln; replaces lysine 399 with glutamine.
Molecular consequence: missense variant. On other transcripts: non-coding transcript variant (1).
Genome position (GRCh38, 1-based): chr15:53,705,141, T>G on the plus strand (A>C on the coding strand, the complement: WDR72 is on the minus strand). VCF-style: chr15-53705141-T-G. GRCh37 (hg19) VCF-style: chr15-53997338-T-G.
Other names: short protein forms K399Q.
Identifiers: ClinVar variation 316598 (VCV000316598.7), dbSNP rs35258188, ClinGen allele CA7571181.

ClinVar aggregate classification (germline): Benign. Review status: criteria provided, multiple submitters, no conflicts (2 of 4 stars). 3 submissions from 3 submitters: Benign (3). Last evaluated 2023-04-11.

Conditions:
Amelogenesis imperfecta hypomaturation type 2A3. Also called: Amelogenesis imperfecta, type IIA3. Identifiers: Orphanet 88661, MedGen C2750771, MONDO:0013181, OMIM 613211. Disease mechanism: loss of function.

Allele frequency attached by ClinVar (database versions not stated): gnomAD exomes 0.00128 and 0.00350; ExAC 0.00438; gnomAD 0.01433 and 0.01531; ESP Exome Variant Server 0.01480; TOPMed 0.01626; 1000 Genomes Project 0.01657; 1000 Genomes Project 30x 0.01718.
gnomAD v4.1: 4,134 of 1,614,152 alleles (0.26%); highest among the groups gnomAD compares: African/African-American, 4.9%; 119 homozygotes.

Submissions (3):

Mayo Clinic Laboratories, Mayo Clinic
Classification: Benign. Last evaluated: 2023-04-11. Review status: criteria provided, single submitter. Criteria: ACMG Guidelines, 2015. Collection method: clinical testing. Allele origin: germline. Observed: 1 variant allele.

Illumina Laboratory Services, Illumina
Classification: Benign for Amelogenesis imperfecta hypomaturation type 2A3. Last evaluated: 2018-01-13. Review status: criteria provided, single submitter. Criteria: ICSL Variant Classification Criteria 13 December 2019. Collection method: clinical testing. Allele origin: germline.
Comment: This variant was observed in the ICSL laboratory as part of a predisposition screen in an ostensibly healthy population. It had not been previously curated by ICSL or reported in the Human Gene Mutation Database (HGMD: prior to June 1st, 2018), and was therefore a candidate for classification through an automated scoring system. Utilizing variant allele frequency, disease prevalence and penetrance estimates, and inheritance mode, an automated score was calculated to assess if this variant is too frequent to cause the disease. Based on the score and internal cut-off values, a variant classified as benign is not then subjected to further curation. The score for this variant resulted in a classification of benign for this disease.

Breakthrough Genomics
Classification: Benign. Review status: criteria provided, single submitter. Criteria: ACMG Guidelines, 2015. Collection method: not provided. Allele origin: germline. Inheritance: Autosomal recessive inheritance. Affected: yes.